The following is an entry in ClinVar:

ClinVar aggregate classification (germline): Uncertain significance (1 of 4 stars; one submission).

Allele frequency attached by ClinVar (database versions not stated): TOPMed 0.00012; ESP Exome Variant Server 0.00015; gnomAD 0.00011.
gnomAD v4.1: 36 of 1,614,046 alleles (0.0022%); highest among the groups gnomAD compares: African/African-American, 0.043%; no homozygotes.

Submission:

Labcorp Genetics (formerly Invitae), Labcorp
Classification: Uncertain significance. Last evaluated: 2025-07-10. Review status: criteria provided, single submitter. Criteria: Invitae Variant Classification Sherloc (09022015). Collection method: clinical testing. Allele origin: germline.
Comment: This sequence change falls in intron 8 of the KRT6A gene. It does not directly change the encoded amino acid sequence of the KRT6A protein. It affects a nucleotide within the consensus splice site. This variant is present in population databases (rs375967909, gnomAD 0.05%), and has an allele count higher than expected for a pathogenic variant. This variant has not been reported in the literature in individuals affected with KRT6A-related conditions. ClinVar contains an entry for this variant (Variation ID: 2919175). Variants that disrupt the consensus splice site are a relatively common cause of aberrant splicing (PMID: 17576681, 9536098). Algorithms developed to predict the effect of sequence changes on RNA splicing suggest that this variant is not likely to affect RNA splicing. In summary, the available evidence is currently insufficient to determine the role of this variant in disease. Therefore, it has been classified as a Variant of Uncertain Significance.

Literature cited by the submitters: PubMed 17576681; PubMed 9536098.

NM_005554.4(KRT6A):c.1459+4A>T

Gene: KRT6A (keratin 6A; minus strand). Cytogenetic location: 12q13.13.
Variant type: single nucleotide variant.
Coding change: c.1459+4A>T on transcript NM_005554.4 (MANE Select); 4 bases into the intron after coding-DNA position 1459, A replaced by T.
Molecular consequence: intron variant.
Genome position (GRCh38, 1-based): chr12:52,488,065, T>A on the plus strand (A>T on the coding strand, the complement: KRT6A is on the minus strand). VCF-style: chr12-52488065-T-A. GRCh37 (hg19) VCF-style: chr12-52881849-T-A.
Identifiers: ClinVar variation 2919175 (VCV002919175.3), dbSNP rs375967909, ClinGen allele CA6581817.